The following is an entry in ClinVar:

ClinVar aggregate classification (germline): Benign/Likely benign. Review status: criteria provided, multiple submitters, no conflicts (2 of 4 stars). 4 submissions from 4 submitters: Benign (1); Likely benign (3). Last evaluated 2026-01-07.

Allele frequency attached by ClinVar (database versions not stated): ESP Exome Variant Server 0.00123; gnomAD 0.00126 and 0.00128; TOPMed 0.00141; 1000 Genomes Project 0.00260; 1000 Genomes Project 30x 0.00265; gnomAD exomes 0.00011 and 0.00043; ExAC 0.00055.
gnomAD v4.1: 355 of 1,607,444 alleles (0.022%); highest among the groups gnomAD compares: African/African-American, 0.37%; 1 homozygote.

Submissions (4):

Labcorp Genetics (formerly Invitae), Labcorp
Classification: Benign. Last evaluated: 2026-01-07. Review status: criteria provided, single submitter. Criteria: Invitae Variant Classification Sherloc (09022015). Collection method: clinical testing. Allele origin: germline.

CeGaT Center for Human Genetics Tuebingen
Classification: Likely benign. Last evaluated: 2025-10-01. Review status: criteria provided, single submitter. Criteria: CeGaT Center For Human Genetics Tuebingen Variant Classification Criteria Version 2. Collection method: clinical testing. Allele origin: germline. Affected: yes. Observed: 1 variant allele.
Comment: PDHX: BP4, BP7

Blueprint Genetics
Classification: Likely benign. Last evaluated: 2024-09-13. Review status: criteria provided, single submitter. Criteria: ACMG Guidelines, 2015. Collection method: clinical testing. Allele origin: germline.

GeneDx
Classification: Likely benign. Last evaluated: 2017-03-01. Review status: criteria provided, single submitter. Criteria: GeneDx Variant Classification (06012015). Collection method: clinical testing. Allele origin: germline. Affected: yes.
Comment: This variant is considered likely benign or benign based on one or more of the following criteria: it is a conservative change, it occurs at a poorly conserved position in the protein, it is predicted to be benign by multiple in silico algorithms, and/or has population frequency not consistent with disease.

NM_003477.3(PDHX):c.618C>G (p.Gly206=)

Gene: PDHX (pyruvate dehydrogenase complex component X; plus strand). Cytogenetic location: 11p13.
Variant type: single nucleotide variant.
Coding change: c.618C>G on transcript NM_003477.3 (MANE Select); coding-DNA position 618, C replaced by G.
Protein change: p.Gly206=; no amino-acid change (glycine 206 retained).
Molecular consequence: synonymous variant. On other transcripts: intron variant (1).
Genome position (GRCh38, 1-based): chr11:34,960,495, C>G. VCF-style: chr11-34960495-C-G. GRCh37 (hg19) VCF-style: chr11-34982042-C-G.
Other names: c.438C>G, p.Gly146= (NM_001135024.2); c.342+12889C>G (NM_001166158.2).
Identifiers: ClinVar variation 378347 (VCV000378347.19), dbSNP rs143997835, ClinGen allele CA5945933.
Genomic context (GRCh38, chr11:34,960,495, plus strand): 5'-AGCTGCCCGCAATATTCTGGAAAAACACTCACTGGATGCTAGCCAGGGCACAGCCACTGG[C>G]CCTCGGGGGATATTCACTAAAGAGTATGTGTTTGCTTTTTGTAATAACCAGTTCCATTAT-3'
Protein context (NP_003468.2, residues 196-216): SLDASQGTAT[Gly206=]PRGIFTKEDA